The following is an entry in ClinVar:

ClinVar aggregate classification (germline): Conflicting classifications of pathogenicity. Review status: criteria provided, conflicting classifications (1 of 4 stars). 7 submissions from 7 submitters: Uncertain significance (1); Benign (4); Likely benign (1). 1 of the submissions does not count toward it. Last evaluated 2026-02-01.

Conditions:
KCNT1-related disorder. Also called: KCNT1-related condition.
Inborn genetic diseases. Identifiers: MedGen C0950123, MeSH D030342.
Developmental and epileptic encephalopathy, 14 (DEE14). Also called: Early infantile epileptic encephalopathy 14. Identifiers: Orphanet 293181, MedGen C3554195, MONDO:0013989, OMIM 614959.
Autosomal dominant nocturnal frontal lobe epilepsy 5. Also called: Epilepsy, nocturnal frontal lobe, 5; CILIARY DYSKINESIA, PRIMARY, 28, WITHOUT SITUS INVERSUS; CILIARY DYSKINESIA, PRIMARY, 28, WITH SITUS INVERSUS; KCNT1-Related Epilepsy. Identifiers: Orphanet 98784, MedGen C3554306, MONDO:0014002, OMIM 615005.

Allele frequency attached by ClinVar (database versions not stated): ESP Exome Variant Server 0.00031; TOPMed 0.00036; gnomAD exomes 0.00065 and 0.00094; gnomAD 0.00082 and 0.00090; ExAC 0.00103.
gnomAD v4.1: 1,075 of 1,613,898 alleles (0.067%); highest among the groups gnomAD compares: Non-Finnish European, 0.062%; 1 homozygote.

Submissions (7):

CeGaT Center for Human Genetics Tuebingen
Classification: Benign. Last evaluated: 2026-02-01. Review status: criteria provided, single submitter. Criteria: CeGaT Center For Human Genetics Tuebingen Variant Classification Criteria Version 2. Collection method: clinical testing. Allele origin: germline. Affected: yes. Observed: 10 variant alleles.
Comment: KCNT1: BP5, BS1, BS2

Labcorp Genetics (formerly Invitae), Labcorp
Classification: Benign for Autosomal dominant nocturnal frontal lobe epilepsy 5; Developmental and epileptic encephalopathy, 14. Last evaluated: 2026-01-13. Review status: criteria provided, single submitter. Criteria: Invitae Variant Classification Sherloc (09022015). Collection method: clinical testing. Allele origin: germline.

Blueprint Genetics
Classification: Likely benign. Last evaluated: 2024-11-26. Review status: criteria provided, single submitter. Criteria: ACMG Guidelines, 2015. Collection method: clinical testing. Allele origin: germline.

Ambry Genetics
Classification: Benign for Inborn genetic diseases. Last evaluated: 2019-01-25. Review status: criteria provided, single submitter. Criteria: Ambry Variant Classification Scheme 2023. Collection method: clinical testing. Allele origin: germline.

GeneDx
Classification: Benign. Last evaluated: 2017-10-16. Review status: criteria provided, single submitter. Criteria: GeneDx Variant Classification (06012015). Collection method: clinical testing. Allele origin: germline. Affected: yes.
Comment: This variant is considered likely benign or benign based on one or more of the following criteria: it is a conservative change, it occurs at a poorly conserved position in the protein, it is predicted to be benign by multiple in silico algorithms, and/or has population frequency not consistent with disease.

Genetic Services Laboratory, University of Chicago
Classification: Uncertain significance. Last evaluated: 2014-01-22. Review status: criteria provided, single submitter. Criteria: ACMG Guidelines, 2007. Collection method: clinical testing. Allele origin: germline. Inheritance: Autosomal dominant inheritance.

PreventionGenetics, part of Exact Sciences
Classification: Benign for KCNT1-related condition. Last evaluated: 2020-04-20. Review status: no assertion criteria provided. Collection method: clinical testing. Allele origin: germline. Not counted in ClinVar's aggregate classification.
Comment: This variant is classified as benign based on ACMG/AMP sequence variant interpretation guidelines (Richards et al. 2015 PMID: 25741868, with internal and published modifications).

NM_020822.3(KCNT1):c.1879A>G (p.Ile627Val)

Gene: KCNT1 (potassium sodium-activated channel subfamily T member 1; plus strand). Cytogenetic location: 9q34.3.
Variant type: single nucleotide variant.
Coding change: c.1879A>G on transcript NM_020822.3 (MANE Select); coding-DNA position 1879, A replaced by G.
Protein change: p.Ile627Val; replaces isoleucine 627 with valine.
Molecular consequence: missense variant.
Genome position (GRCh38, 1-based): chr9:135,770,966, A>G. VCF-style: chr9-135770966-A-G. GRCh37 (hg19) VCF-style: chr9-138662812-A-G.
Other names: c.1744A>G, p.Ile582Val (NM_001272003.2); short protein forms I627V, I582V.
Identifiers: ClinVar variation 129354 (VCV000129354.51), dbSNP rs143355299, ClinGen allele CA231206.